The following is an entry in ClinVar:

NM_006231.4(POLE):c.962A>G (p.Glu321Gly)

Gene: POLE (DNA polymerase epsilon, catalytic subunit; minus strand). Cytogenetic location: 12q24.33.
Variant type: single nucleotide variant.
Coding change: c.962A>G on transcript NM_006231.4 (MANE Select); coding-DNA position 962, A replaced by G.
Protein change: p.Glu321Gly; replaces glutamic acid 321 with glycine.
Molecular consequence: missense variant.
Genome position (GRCh38, 1-based): chr12:132,676,152, T>C on the plus strand (A>G on the coding strand, the complement: POLE is on the minus strand). VCF-style: chr12-132676152-T-C. GRCh37 (hg19) VCF-style: chr12-133252738-T-C.
Other names: short protein forms E321G.
Identifiers: ClinVar variation 1767603 (VCV001767603.3), dbSNP rs2136013854, ClinGen allele CA387363731.

ClinVar aggregate classification (germline): Uncertain significance (1 of 4 stars; one submission).

Conditions:
Hereditary cancer-predisposing syndrome. Also called: Hereditary Cancer Syndrome; Hereditary neoplastic syndrome; Neoplastic Syndromes, Hereditary; Tumor predisposition. Identifiers: Orphanet 140162, MedGen C0027672, MeSH D009386, MONDO:0015356.

Submission:

Ambry Genetics
Classification: Uncertain significance for Hereditary cancer-predisposing syndrome. Last evaluated: 2025-10-02. Review status: criteria provided, single submitter. Criteria: Ambry Variant Classification Scheme 2023. Collection method: clinical testing. Allele origin: germline.
Comment: The p.E321G variant (also known as c.962A>G), located in coding exon 10 of the POLE gene, results from an A to G substitution at nucleotide position 962. The glutamic acid at codon 321 is replaced by glycine, an amino acid with similar properties. This amino acid position is highly conserved in available vertebrate species. In addition, the in silico prediction for this alteration is inconclusive. Since supporting evidence is limited at this time, the clinical significance of this alteration remains unclear.